The following is an entry in ClinVar:

NM_003242.6(TGFBR2):c.92C>T (p.Ser31Leu)

Gene: TGFBR2 (transforming growth factor beta receptor 2; plus strand). Cytogenetic location: 3p24.1.
Variant type: single nucleotide variant.
Coding change: c.92C>T on transcript NM_003242.6 (MANE Select); coding-DNA position 92, C replaced by T.
Protein change: p.Ser31Leu; replaces serine 31 with leucine.
Molecular consequence: missense variant. On other transcripts: 5 prime UTR variant (4), intron variant (2).
Genome position (GRCh38, 1-based): chr3:30,606,975, C>T. VCF-style: chr3-30606975-C-T. GRCh37 (hg19) VCF-style: chr3-30648467-C-T.
Other names: c.92C>T, p.Ser31Leu (NM_001024847.3, NM_001407126.1, NM_001407127.1 and 4 more transcripts); c.-192C>T (NM_001407133.1); c.-70C>T (NM_001407134.1); c.-117C>T (NM_001407135.1); c.-202C>T (NM_001407136.1); c.-12+382C>T (NM_001407129.1, NM_001407132.1); short protein forms S31L.
Identifiers: ClinVar variation 4768061 (VCV004768061.1).

ClinVar aggregate classification (germline): Uncertain significance (1 of 4 stars; one submission).

Conditions:
Familial thoracic aortic aneurysm and aortic dissection (TAAD). Also called: Thoracic aortic aneurysms and dissections. Identifiers: Orphanet 91387, MedGen C4707243, MONDO:0019625.

gnomAD v4.1: 2 of 1,594,798 alleles (0.00013%); highest among the groups gnomAD compares: Non-Finnish European, 0.00017%; no homozygotes.

Submission:

Labcorp Genetics (formerly Invitae), Labcorp
Classification: Uncertain significance for Familial thoracic aortic aneurysm and aortic dissection. Last evaluated: 2025-06-17. Review status: criteria provided, single submitter. Criteria: Invitae Variant Classification Sherloc (09022015). Collection method: clinical testing. Allele origin: germline.
Comment: This sequence change replaces serine, which is neutral and polar, with leucine, which is neutral and non-polar, at codon 31 of the TGFBR2 protein (p.Ser31Leu). This variant is not present in population databases (gnomAD no frequency). This variant has not been reported in the literature in individuals affected with TGFBR2-related conditions. Invitae Evidence Modeling of protein sequence and biophysical properties (such as structural, functional, and spatial information, amino acid conservation, physicochemical variation, residue mobility, and thermodynamic stability) indicates that this missense variant is not expected to disrupt TGFBR2 protein function with a negative predictive value of 95%. In summary, the available evidence is currently insufficient to determine the role of this variant in disease. Therefore, it has been classified as a Variant of Uncertain Significance.